The following is an entry in ClinVar:

ClinVar aggregate classification (germline): Uncertain significance (1 of 4 stars; one submission).

Conditions:
Gastrointestinal stromal tumor. Also called: Gastrointestinal stroma tumor; Gastrointestinal stromal tumor, somatic. Identifiers: Orphanet 44890, MedGen C0238198, MeSH D046152, MONDO:0011719, OMIM 606764, HP:0100723.

Submission:

Labcorp Genetics (formerly Invitae), Labcorp
Classification: Uncertain significance for Gastrointestinal stromal tumor. Last evaluated: 2022-06-01. Review status: criteria provided, single submitter. Criteria: Invitae Variant Classification Sherloc (09022015). Collection method: clinical testing. Allele origin: germline.
Comment: This variant is not present in population databases (gnomAD no frequency). This sequence change replaces asparagine, which is neutral and polar, with histidine, which is basic and polar, at codon 934 of the PDGFRA protein (p.Asn934His). This variant has not been reported in the literature in individuals affected with PDGFRA-related conditions. In summary, the available evidence is currently insufficient to determine the role of this variant in disease. Therefore, it has been classified as a Variant of Uncertain Significance. Algorithms developed to predict the effect of missense changes on protein structure and function output the following: SIFT: "Tolerated"; PolyPhen-2: "Benign"; Align-GVGD: "Class C0". The histidine amino acid residue is found in multiple mammalian species, which suggests that this missense change does not adversely affect protein function.

NM_006206.6(PDGFRA):c.2800A>C (p.Asn934His)

Gene: PDGFRA (platelet derived growth factor receptor alpha; plus strand). Cytogenetic location: 4q12.
Variant type: single nucleotide variant.
Coding change: c.2800A>C on transcript NM_006206.6 (MANE Select); coding-DNA position 2800, A replaced by C.
Protein change: p.Asn934His; replaces asparagine 934 with histidine.
Molecular consequence: missense variant.
Genome position (GRCh38, 1-based): chr4:54,289,034, A>C. VCF-style: chr4-54289034-A-C. GRCh37 (hg19) VCF-style: chr4-55155201-A-C.
Other names: c.2875A>C, p.Asn959His (NM_001347828.2); c.2800A>C, p.Asn934His (NM_001347829.2); c.2839A>C, p.Asn947His (NM_001347830.2); short protein forms N934H, N947H, N959H.
Identifiers: ClinVar variation 2001613 (VCV002001613.4), dbSNP rs2475560919, ClinGen allele CA356895702.